The following is an entry in ClinVar:

ClinVar aggregate classification (germline): Pathogenic (1 of 4 stars; one submission).

Conditions:
Familial adenomatous polyposis 1 (FAP1). Also called: FAMILIAL ADENOMATOUS POLYPOSIS 1, ATTENUATED; POLYPOSIS, ADENOMATOUS INTESTINAL. Identifiers: MedGen C2713442, MONDO:0021056, OMIM 175100. Disease mechanism: loss of function.

Submission:

Labcorp Genetics (formerly Invitae), Labcorp
Classification: Pathogenic for Familial adenomatous polyposis 1. Last evaluated: 2018-08-19. Review status: criteria provided, single submitter. Criteria: Invitae Variant Classification Sherloc (09022015). Collection method: clinical testing. Allele origin: germline.
Comment: A different truncation (p.Tyr2645Lysfs*14) that lies downstream of this variant has been determined to be pathogenic (PMID: 9824584, 1316610, 27081525, 8381579, 22135120, Invitae). This suggests that deletion of this region of the APC protein is causative of disease. For these reasons, this variant has been classified as Pathogenic. This variant is expected to disrupt the EB1 and HDLG binding sites, which mediate interactions with the cytoskeleton (PMID: 15311282, 17293347). While functional studies have not been performed to directly test the effect on APC protein function, this suggests that disruption of the C-terminal portion of the protein is functionally important. This variant has been observed in an individual affected with familial adenomatous polyposis (PMID: 10923044). This variant is not present in population databases (ExAC no frequency). This sequence change results in a premature translational stop signal in the APC gene (p.Leu1342*). While this is not anticipated to result in nonsense mediated decay, it is expected to disrupt the last 1502 amino acids of the APC protein.

Literature cited by the submitters: PubMed 9824584; PubMed 1316610; PubMed 27081525; PubMed 8381579; PubMed 22135120; PubMed 15311282; PubMed 17293347; PubMed 10923044.

NM_000038.6(APC):c.4025T>G (p.Leu1342Ter)

Gene: APC (APC regulator of Wnt signaling pathway; plus strand). Cytogenetic location: 5q22.2.
Variant type: single nucleotide variant.
Coding change: c.4025T>G on transcript NM_000038.6 (MANE Select); coding-DNA position 4025, T replaced by G.
Protein change: p.Leu1342Ter; replaces leucine 1342 with a stop codon.
Molecular consequence: nonsense.
Genome position (GRCh38, 1-based): chr5:112,839,619, T>G. VCF-style: chr5-112839619-T-G. GRCh37 (hg19) VCF-style: chr5-112175316-T-G.
Other names: c.4025T>G, p.Leu1342Ter (NM_001127510.3, NM_001354895.2); c.3971T>G, p.Leu1324Ter (NM_001127511.3); c.4079T>G, p.Leu1360Ter (NM_001354896.2); c.4055T>G, p.Leu1352Ter (NM_001354897.2); c.3950T>G, p.Leu1317Ter (NM_001354898.2); c.3941T>G, p.Leu1314Ter (NM_001354899.2); c.3902T>G, p.Leu1301Ter (NM_001354900.2); c.3848T>G, p.Leu1283Ter (NM_001354901.2); and 5 more; short protein forms L1216*, L1301*, L1314*, L1182*, L1241*, L1283*, L1317*, L1324*.
Identifiers: ClinVar variation 645602 (VCV000645602.10), dbSNP rs1580643026, ClinGen allele CA16030155.